The following is an entry in ClinVar:

NM_000540.3(RYR1):c.10019-20_10019-12del

Gene: RYR1 (ryanodine receptor 1; plus strand). Cytogenetic location: 19q13.2.
Variant type: Deletion.
Coding change: c.10019-20_10019-12del on transcript NM_000540.3 (MANE Select); 20 bases into the intron before coding-DNA position 10019 through 12 bases into the intron before coding-DNA position 10019, 9 bases deleted (AGCCCATCG; older notation c.10019-20_10019-12delAGCCCATCG).
Molecular consequence: intron variant.
Genome position (GRCh38, 1-based): chr19:38,519,194-38,519,202, AGCCCATCG deleted; deleting any 9 consecutive bases within chr19:38,519,193-38,519,202 gives the same sequence; the c. name uses the placement nearest the transcript's 3' end. VCF-style (leftmost placement, unchanged base first): chr19-38519192-AGAGCCCATC-A. GRCh37 (hg19) VCF-style: chr19-39009832-AGAGCCCATC-A.
Other names: c.10019-20_10019-12del (NM_001042723.2).
Identifiers: ClinVar variation 2843887 (VCV002843887.3), dbSNP rs2514442609, ClinGen allele CA2739276748.

ClinVar aggregate classification (germline): Uncertain significance (1 of 4 stars; one submission).

Conditions:
RYR1-related disorder. Also called: RYR1-related condition; RYR1-related disorders. Identifiers: MedGen CN239331.

Submission:

Labcorp Genetics (formerly Invitae), Labcorp
Classification: Uncertain significance for RYR1-related disorder. Last evaluated: 2023-03-08. Review status: criteria provided, single submitter. Criteria: Invitae Variant Classification Sherloc (09022015). Collection method: clinical testing. Allele origin: germline.
Comment: In summary, the available evidence is currently insufficient to determine the role of this variant in disease. Therefore, it has been classified as a Variant of Uncertain Significance. Algorithms developed to predict the effect of sequence changes on RNA splicing suggest that this variant may disrupt the consensus splice site. This variant has not been reported in the literature in individuals affected with RYR1-related conditions. This variant is not present in population databases (gnomAD no frequency). This sequence change falls in intron 66 of the RYR1 gene. It does not directly change the encoded amino acid sequence of the RYR1 protein.